The following is an entry in ClinVar:

NM_002230.4(JUP):c.*1027G>C

Gene: JUP (junction plakoglobin; minus strand). Cytogenetic location: 17q21.2.
Variant type: single nucleotide variant.
Coding change: c.*1027G>C on transcript NM_002230.4 (MANE Select); 1027 bases downstream of the stop codon, G replaced by C.
Molecular consequence: 3 prime UTR variant.
Genome position (GRCh38, 1-based): chr17:41,754,717, C>G on the plus strand (G>C on the coding strand, the complement: JUP is on the minus strand). VCF-style: chr17-41754717-C-G. GRCh37 (hg19) VCF-style: chr17-39910969-C-G.
Other names: c.*1027G>C (NM_001352773.2); c.*730G>C (NM_001352774.2, NM_001352775.2, NM_001352776.2 and 2 more transcripts).
Identifiers: ClinVar variation 889386 (VCV000889386.5), dbSNP rs147905567, ClinGen allele CA399489664.
Genomic context (GRCh38, chr17:41,754,717, plus strand): 5'-AATAACCAAAAACATAAAGCGATAATAATAAAACACTCTGCTTGGACCTCCCCCAGCCCC[C>G]CACACCATGTGCGGGAAATGGGGGGGTCTGAAACAGGAAGGGGAAGAGAAAGCCCCTCAC-3'

ClinVar aggregate classification (germline): Conflicting classifications of pathogenicity. Review status: criteria provided, conflicting classifications (1 of 4 stars). 3 submissions from 2 submitters: Uncertain significance (1); Likely benign (2). Last evaluated 2021-05-21.

Conditions:
Arrhythmogenic right ventricular dysplasia 12. Also called: ARRHYTHMOGENIC RIGHT VENTRICULAR DYSPLASIA, FAMILIAL, 12. Identifiers: MedGen C1969081, MONDO:0012684, OMIM 611528.
Naxos disease (NXD). Also called: KERATOSIS PALMOPLANTARIS WITH ARRHYTHMOGENIC CARDIOMYOPATHY; MAL DE NAXOS; PALMOPLANTAR KERATODERMA WITH ARRHYTHMOGENIC RIGHT VENTRICULAR CARDIOMYOPATHY AND WOOLLY HAIR; WOOLLY HAIR, PALMOPLANTAR KERATODERMA, AND CARDIAC ABNORMALITIES; CARDIOMYOPATHY, ARRHYTHMOGENIC RIGHT VENTRICULAR, WITH SKIN, HAIR, AND NAIL ABNORMALITIES. Identifiers: Orphanet 34217, MedGen C1832600, MONDO:0011017, OMIM 601214.

Allele frequency attached by ClinVar (database versions not stated): 1000 Genomes Project 30x 0.00453; 1000 Genomes Project 0.00459; gnomAD 0.00590 and 0.00640; TOPMed 0.00657.

Submissions (3):

GeneDx
Classification: Likely benign. Last evaluated: 2021-05-21. Review status: criteria provided, single submitter. Criteria: GeneDx Variant Classification Process June 2021. Collection method: clinical testing. Allele origin: germline. Affected: yes.

Illumina Laboratory Services, Illumina
Classification: Uncertain significance for Naxos disease. Last evaluated: 2018-01-13. Review status: criteria provided, single submitter. Criteria: ICSL Variant Classification Criteria 13 December 2019. Collection method: clinical testing. Allele origin: germline.

Illumina Laboratory Services, Illumina
Classification: Likely benign for Arrhythmogenic right ventricular dysplasia 12. Last evaluated: 2018-01-13. Review status: criteria provided, single submitter. Criteria: ICSL Variant Classification Criteria 13 December 2019. Collection method: clinical testing. Allele origin: germline.
Comment: This variant was observed in the ICSL laboratory as part of a predisposition screen in an ostensibly healthy population. It had not been previously curated by ICSL or reported in the Human Gene Mutation Database (HGMD: prior to June 1st, 2018), and was therefore a candidate for classification through an automated scoring system. Utilizing variant allele frequency, disease prevalence and penetrance estimates, and inheritance mode, an automated score was calculated to assess if this variant is too frequent to cause the disease. Based on the score and internal cut-off values, a variant classified as likely benign is not then subjected to further curation. The score for this variant resulted in a classification of likely benign for this disease.